The following is an entry in ClinVar:

NM_000059.4(BRCA2):c.3396A>G (p.Lys1132=)

Gene: BRCA2 (BRCA2 DNA repair associated; plus strand). Cytogenetic location: 13q13.1.
Variant type: single nucleotide variant.
Coding change: c.3396A>G on transcript NM_000059.4 (MANE Select); coding-DNA position 3396, A replaced by G.
Protein change: p.Lys1132=; no amino-acid change (lysine 1132 retained).
Molecular consequence: synonymous variant.
Genome position (GRCh38, 1-based): chr13:32,337,751, A>G. VCF-style: chr13-32337751-A-G. GRCh37 (hg19) VCF-style: chr13-32911888-A-G.
Other names: 3624A/G; K1132K; 3624 A>G; NP_000050.3:p.Lys1132=; 3624A>G.
Identifiers: ClinVar variation 126010 (VCV000126010.94), dbSNP rs1801406, ClinGen allele CA017926.

ClinVar aggregate classification (germline): Benign. Review status: reviewed by expert panel (3 of 4 stars). 34 submissions from 32 submitters: Benign (1). 33 of the submissions do not count toward it. Last evaluated 2015-01-12.
ClinVar aggregate classification (somatic clinical impact): Tier IV - Benign/Likely benign (0 of 4 stars; one submission).

Conditions:
Hereditary breast ovarian cancer syndrome. Also called: Hereditary breast and ovarian cancer syndrome; Hereditary breast and ovarian cancer syndrome (HBOC); Breast and ovarian cancer; BRCA1- and BRCA2-Associated Hereditary Breast and Ovarian Cancer; Hereditary breast and ovarian cancer; Hereditary breast and/or ovarian cancer syndrome. Identifiers: Orphanet 145, MedGen C0677776, MeSH D061325, MONDO:0003582. Disease mechanism: loss of function.
Fanconi anemia complementation group D1. Also called: BRCA2-Related Fanconi Anemia. Identifiers: Orphanet 319462, MedGen C1838457, MONDO:0011584, OMIM 605724.
Breast-ovarian cancer, familial, susceptibility to, 2 (BROVCA2). Also called: BRCA2 Hereditary Breast and Ovarian Cancer. Identifiers: Orphanet 145, MedGen C2675520, MONDO:0012933, OMIM 612555. Disease mechanism: loss of function.
Familial cancer of breast. Also called: hereditary breast carcinoma; Hereditary breast cancer; BREAST CANCER, FAMILIAL. Identifiers: Orphanet 227535, MedGen C0346153, MONDO:0016419, OMIM 114480. Disease mechanism: loss of function.
Hereditary cancer-predisposing syndrome. Also called: Tumor predisposition; Hereditary neoplastic syndrome; Neoplastic Syndromes, Hereditary; Hereditary Cancer Syndrome. Identifiers: Orphanet 140162, MedGen C0027672, MeSH D009386, MONDO:0015356.

Allele frequency attached by ClinVar (database versions not stated): gnomAD 0.28494 and 0.28273; ExAC 0.29449; gnomAD exomes 0.29462 and 0.30897; 1000 Genomes Project 30x 0.25937; 1000 Genomes Project 0.26677; TOPMed 0.27364; ESP Exome Variant Server 0.27984.
gnomAD v4.1: 494,369 of 1,613,344 alleles (31%); highest among the groups gnomAD compares: East Asian, 43%; 77,417 homozygotes.

Submissions 1 to 21 of 35:

Evidence-based Network for the Interpretation of Germline Mutant Alleles (ENIGMA)
Classification: Benign for Breast-ovarian cancer, familial 2. Last evaluated: 2015-01-12. Review status: reviewed by expert panel. Criteria: ENIGMA BRCA1/2 Classification Criteria (2015). Collection method: curation. Allele origin: germline.
Comment: Class 1 not pathogenic based on frequency >1% in an outbred sampleset. Frequency 0.3846 (Asian), 0.1646 (African), 0.2942 (European), derived from 1000 genomes (2012-04-30).

Labcorp Genetics (formerly Invitae), Labcorp
Classification: Benign for Hereditary breast ovarian cancer syndrome. Last evaluated: 2026-02-04. Review status: criteria provided, single submitter. Criteria: Invitae Variant Classification Sherloc (09022015). Collection method: clinical testing. Allele origin: germline. Not counted in ClinVar's aggregate classification.

ARUP Laboratories, Molecular Genetics and Genomics, ARUP Laboratories
Classification: Benign. Last evaluated: 2025-07-31. Review status: criteria provided, single submitter. Criteria: ARUP Molecular Germline Variant Investigation Process 2024. Collection method: clinical testing. Allele origin: germline. Not counted in ClinVar's aggregate classification.

KCCC/NGS Laboratory, Kuwait Cancer Control Center
Classification: Benign for Familial cancer of breast. Last evaluated: 2025-02-01. Review status: criteria provided, single submitter. Criteria: ACMG Guidelines, 2015. Collection method: clinical testing. Allele origin: germline. Affected: no. Not counted in ClinVar's aggregate classification.

Blueprint Genetics
Classification: Benign. Last evaluated: 2024-11-27. Review status: criteria provided, single submitter. Criteria: ACMG Guidelines, 2015. Collection method: clinical testing. Allele origin: germline. Not counted in ClinVar's aggregate classification.

KCCC/NGS Laboratory, Kuwait Cancer Control Center
Classification: Benign for Breast-ovarian cancer, familial, susceptibility to, 2. Last evaluated: 2023-07-07. Review status: criteria provided, single submitter. Criteria: ACMG Guidelines, 2015. Collection method: clinical testing. Allele origin: germline. Affected: yes. Not counted in ClinVar's aggregate classification.

National Health Laboratory Service, Universitas Academic Hospital and University of the Free State
Classification: Benign for Hereditary breast ovarian cancer syndrome. Last evaluated: 2022-04-19. Review status: criteria provided, single submitter. Criteria: ACMG Guidelines, 2015. Collection method: clinical testing. Allele origin: germline. Affected: yes. Observed: 445 variant alleles. Not counted in ClinVar's aggregate classification.

Genetics Program, Instituto Nacional de Cancer
Classification: Benign for Hereditary breast ovarian cancer syndrome. Last evaluated: 2021-11-01. Review status: criteria provided, single submitter. Criteria: ACMG Guidelines, 2015. Collection method: research. Allele origin: germline. Affected: yes. Not counted in ClinVar's aggregate classification.

Sema4
Classification: Benign for Hereditary cancer-predisposing syndrome. Last evaluated: 2019-12-09. Review status: criteria provided, single submitter. Criteria: Sema4 Curation Guidelines. Collection method: curation. Allele origin: germline. Not counted in ClinVar's aggregate classification.

Illumina Laboratory Services, Illumina
Classification: Benign for Fanconi anemia complementation group D1. Last evaluated: 2018-01-13. Review status: criteria provided, single submitter. Criteria: ICSL Variant Classification Criteria 13 December 2019. Collection method: clinical testing. Allele origin: germline. Not counted in ClinVar's aggregate classification.
Comment: This variant was observed in the ICSL laboratory as part of a predisposition screen in an ostensibly healthy population. It had not been previously curated by ICSL or reported in the Human Gene Mutation Database (HGMD: prior to June 1st, 2018), and was therefore a candidate for classification through an automated scoring system. Utilizing variant allele frequency, disease prevalence and penetrance estimates, and inheritance mode, an automated score was calculated to assess if this variant is too frequent to cause the disease. Based on the score and internal cut-off values, a variant classified as benign is not then subjected to further curation. The score for this variant resulted in a classification of benign for this disease.

Illumina Laboratory Services, Illumina
Classification: Benign for Breast-ovarian cancer, familial, susceptibility to, 2. Last evaluated: 2018-01-13. Review status: criteria provided, single submitter. Criteria: ICSL Variant Classification Criteria 13 December 2019. Collection method: clinical testing. Allele origin: germline. Not counted in ClinVar's aggregate classification.
Comment: the same text as in the submission from Illumina Laboratory Services, Illumina above.

GeneKor MSA
Classification: Benign. Last evaluated: 2017-11-01. Review status: criteria provided, single submitter. Criteria: ACMG Guidelines, 2015. Collection method: clinical testing. Allele origin: germline. Affected: yes. Not counted in ClinVar's aggregate classification.

Cancer Genetics and Genomics Laboratory, British Columbia Cancer Agency
Classification: Benign. Last evaluated: 2017-04-18. Review status: criteria provided, single submitter. Criteria: ACMG Guidelines, 2015. Collection method: clinical testing. Allele origin: germline. Study: The Canadian Open Genetics Repository (COGR). Not counted in ClinVar's aggregate classification.

Baylor Genetics
Classification: Benign for Familial cancer of breast. Last evaluated: 2017-02-23. Review status: criteria provided, single submitter. Criteria: ACMG Guidelines, 2015. Collection method: clinical testing. Allele origin: germline. Inheritance: Autosomal dominant inheritance. Affected: no. Not counted in ClinVar's aggregate classification.

Laboratory for Molecular Medicine, Mass General Brigham Personalized Medicine
Classification: Benign. Last evaluated: 2016-05-23. Review status: criteria provided, single submitter. Criteria: LMM Criteria. Collection method: clinical testing. Allele origin: germline. Observed: 12 variant alleles. Not counted in ClinVar's aggregate classification.
Comment: p.Lys1132Lys in exon 11 of BRCA2: This variant is not expected to have clinical significance because it does not alter an amino acid residue, is not located wit hin the splice consensus sequence, and has been identified in 38.48% (3323/8636) of East Asian chromosomes by the Exome Aggregation Consortium (ExAC; dbSNP rs1801406).

Eurofins Ntd Llc (ga)
Classification: Benign. Last evaluated: 2016-01-07. Review status: criteria provided, single submitter. Criteria: EGL Classification Definitions 2015. Collection method: clinical testing. Allele origin: germline. Observed: 173 variant alleles, 148 heterozygotes, 25 homozygotes. Not counted in ClinVar's aggregate classification.

Clinical Genetics DNA and cytogenetics Diagnostics Lab, Erasmus MC, Erasmus Medical Center
Classification: Benign for Breast-ovarian cancer, familial, susceptibility to, 2. Last evaluated: 2015-09-21. Review status: criteria provided, single submitter. Criteria: ACGS Guidelines, 2013. Collection method: clinical testing. Allele origin: germline. Affected: yes. Study: VKGL Data-share Consensus. Not counted in ClinVar's aggregate classification.

Color Diagnostics, LLC DBA Color Health
Classification: Benign for Hereditary cancer-predisposing syndrome. Last evaluated: 2015-03-31. Review status: criteria provided, single submitter. Criteria: ACMG Guidelines, 2015. Collection method: clinical testing. Allele origin: germline. Not counted in ClinVar's aggregate classification.

Molecular Genetics Laboratory, University of Michigan
Classification: Benign for Breast-ovarian cancer, familial, susceptibility to, 2. Last evaluated: 2014-11-03. Review status: criteria provided, single submitter. Criteria: ACMG Guidelines, 2015. Collection method: clinical testing. Allele origin: germline. Affected: yes. Not counted in ClinVar's aggregate classification.

Ambry Genetics
Classification: Benign for Hereditary cancer-predisposing syndrome. Last evaluated: 2014-10-30. Review status: criteria provided, single submitter. Criteria: Ambry Variant Classification Scheme 2023. Collection method: clinical testing. Allele origin: germline. Not counted in ClinVar's aggregate classification.

Genome Diagnostics Laboratory, University Medical Center Utrecht
Classification: Benign for Breast-ovarian cancer, familial, susceptibility to, 2. Last evaluated: 2014-10-10. Review status: criteria provided, single submitter. Criteria: ACGS Guidelines, 2013. Collection method: clinical testing. Allele origin: germline. Affected: yes. Study: VKGL Data-share Consensus. Not counted in ClinVar's aggregate classification.